The following is an entry in ClinVar:

NM_024642.5(GALNT12):c.44G>T (p.Arg15Leu)

Genes: GALNT12 (polypeptide N-acetylgalactosaminyltransferase 12; plus strand), LOC130002222 (ATAC-STARR-seq lymphoblastoid silent region 20123; plus strand). Cytogenetic location: 9q22.33.
Variant type: single nucleotide variant.
Coding change: c.44G>T on transcript NM_024642.5 (MANE Select); coding-DNA position 44, G replaced by T.
Protein change: p.Arg15Leu; replaces arginine 15 with leucine.
Molecular consequence: missense variant.
Genome position (GRCh38, 1-based): chr9:98,807,742, G>T. VCF-style: chr9-98807742-G-T. GRCh37 (hg19) VCF-style: chr9-101570024-G-T.
Other names: short protein forms R15L.
Identifiers: ClinVar variation 1506538 (VCV001506538.10), dbSNP rs1835405723, ClinGen allele CA374222108.

ClinVar aggregate classification (germline): Uncertain significance. Review status: criteria provided, multiple submitters, no conflicts (2 of 4 stars). 2 submissions from 2 submitters: Uncertain significance (2). Last evaluated 2024-11-05.

Submissions (2):

Ambry Genetics
Classification: Uncertain significance. Last evaluated: 2024-11-05. Review status: criteria provided, single submitter. Criteria: Ambry Variant Classification Scheme 2023. Collection method: clinical testing. Allele origin: germline.
Comment: The p.R15L variant (also known as c.44G>T), located in coding exon 1 of the GALNT12 gene, results from a G to T substitution at nucleotide position 44. The arginine at codon 15 is replaced by leucine, an amino acid with dissimilar properties. This amino acid position is highly conserved in available vertebrate species. In addition, this alteration is predicted to be tolerated by in silico analysis. The evidence for this gene-disease relationship is limited; therefore, the clinical significance of this alteration is unclear.

Labcorp Genetics (formerly Invitae), Labcorp
Classification: Uncertain significance. Last evaluated: 2021-08-10. Review status: criteria provided, single submitter. Criteria: Invitae Variant Classification Sherloc (09022015). Collection method: clinical testing. Allele origin: germline.
Comment: Algorithms developed to predict the effect of missense changes on protein structure and function are either unavailable or do not agree on the potential impact of this missense change (SIFT: "Tolerated"; PolyPhen-2: "Not Available"; Align-GVGD: "Class C0"). In summary, the available evidence is currently insufficient to determine the role of this variant in disease. Therefore, it has been classified as a Variant of Uncertain Significance. This variant has not been reported in the literature in individuals affected with GALNT12-related conditions. The frequency data for this variant in the population databases is considered unreliable, as metrics indicate insufficient coverage at this position in the ExAC database. This sequence change replaces arginine with leucine at codon 15 of the GALNT12 protein (p.Arg15Leu). The arginine residue is weakly conserved and there is a moderate physicochemical difference between arginine and leucine.